The following is an entry in ClinVar:

ClinVar aggregate classification (germline): Uncertain significance (1 of 4 stars; one submission).

Conditions:
Kabuki syndrome. Also called: NIIKAWA-KUROKI SYNDROME; Kabuki make-up syndrome. Identifiers: Orphanet 2322, MedGen C0796004, MONDO:0016512.

gnomAD v4.1: 1 of 1,606,276 alleles (0.000062%); no homozygotes.

Submission:

Labcorp Genetics (formerly Invitae), Labcorp
Classification: Uncertain significance for Kabuki syndrome. Last evaluated: 2024-12-15. Review status: criteria provided, single submitter. Criteria: Invitae Variant Classification Sherloc (09022015). Collection method: clinical testing. Allele origin: germline.
Comment: This sequence change replaces glutamic acid, which is acidic and polar, with glutamine, which is neutral and polar, at codon 4056 of the KMT2D protein (p.Glu4056Gln). This variant is not present in population databases (gnomAD no frequency). This variant has not been reported in the literature in individuals affected with KMT2D-related conditions. Invitae Evidence Modeling of protein sequence and biophysical properties (such as structural, functional, and spatial information, amino acid conservation, physicochemical variation, residue mobility, and thermodynamic stability) indicates that this missense variant is not expected to disrupt KMT2D protein function with a negative predictive value of 95%. In summary, the available evidence is currently insufficient to determine the role of this variant in disease. Therefore, it has been classified as a Variant of Uncertain Significance.

NM_003482.4(KMT2D):c.12166G>C (p.Glu4056Gln)

Gene: KMT2D (lysine methyltransferase 2D; minus strand). Cytogenetic location: 12q13.12.
Variant type: single nucleotide variant.
Coding change: c.12166G>C on transcript NM_003482.4 (MANE Select); coding-DNA position 12166, G replaced by C.
Protein change: p.Glu4056Gln; replaces glutamic acid 4056 with glutamine.
Molecular consequence: missense variant.
Genome position (GRCh38, 1-based): chr12:49,032,539, C>G on the plus strand (G>C on the coding strand, the complement: KMT2D is on the minus strand). VCF-style: chr12-49032539-C-G. GRCh37 (hg19) VCF-style: chr12-49426322-C-G.
Other names: short protein forms E4056Q.
Identifiers: ClinVar variation 3635112 (VCV003635112.2).